The following is an entry in ClinVar:

NM_005560.6(LAMA5):c.2996G>A (p.Arg999His)

Gene: LAMA5 (laminin subunit alpha 5; minus strand). Cytogenetic location: 20q13.33.
Variant type: single nucleotide variant.
Coding change: c.2996G>A on transcript NM_005560.6 (MANE Select); coding-DNA position 2996, G replaced by A.
Protein change: p.Arg999His; replaces arginine 999 with histidine.
Molecular consequence: missense variant.
Genome position (GRCh38, 1-based): chr20:62,333,589, C>T on the plus strand (G>A on the coding strand, the complement: LAMA5 is on the minus strand). VCF-style: chr20-62333589-C-T. GRCh37 (hg19) VCF-style: chr20-60908645-C-T.
Other names: c.2996G>A (NM_005560.3); short protein forms R999H.
Identifiers: ClinVar variation 2072628 (VCV002072628.7), dbSNP rs563915762, ClinGen allele CA9943240.

ClinVar aggregate classification (germline): Uncertain significance. Review status: criteria provided, multiple submitters, no conflicts (2 of 4 stars). 2 submissions from 2 submitters: Uncertain significance (2). Last evaluated 2025-08-29.

Conditions:
Inborn genetic diseases. Identifiers: MedGen C0950123, MeSH D030342.

Allele frequency attached by ClinVar (database versions not stated): ExAC 0.00020; gnomAD 0.00013; TOPMed 0.00024; 1000 Genomes Project 30x 0.00031; 1000 Genomes Project 0.00040; gnomAD exomes 0.00003.
gnomAD v4.1: 65 of 1,569,910 alleles (0.0041%); highest among the groups gnomAD compares: Admixed American, 0.068%; no homozygotes.

Submissions (2):

Ambry Genetics
Classification: Uncertain significance for Inborn genetic diseases. Last evaluated: 2025-08-29. Review status: criteria provided, single submitter. Criteria: Ambry Variant Classification Scheme 2023. Collection method: clinical testing. Allele origin: germline.

Labcorp Genetics (formerly Invitae), Labcorp
Classification: Uncertain significance. Last evaluated: 2022-09-27. Review status: criteria provided, single submitter. Criteria: Invitae Variant Classification Sherloc (09022015). Collection method: clinical testing. Allele origin: germline.
Comment: In summary, the available evidence is currently insufficient to determine the role of this variant in disease. Therefore, it has been classified as a Variant of Uncertain Significance. Algorithms developed to predict the effect of missense changes on protein structure and function are either unavailable or do not agree on the potential impact of this missense change (SIFT: "Deleterious"; PolyPhen-2: "Benign"; Align-GVGD: "Class C0"). This variant has not been reported in the literature in individuals affected with LAMA5-related conditions. This variant is present in population databases (rs563915762, gnomAD 0.05%). This sequence change replaces arginine, which is basic and polar, with histidine, which is basic and polar, at codon 999 of the LAMA5 protein (p.Arg999His).